The following is an entry in ClinVar:

ClinVar aggregate classification (germline): Uncertain significance (1 of 4 stars; one submission).

gnomAD v4.1: 3 of 1,614,032 alleles (0.00019%); highest among the groups gnomAD compares: African/African-American, 0.004%; no homozygotes.

Submission:

Labcorp Genetics (formerly Invitae), Labcorp
Classification: Uncertain significance. Last evaluated: 2025-06-12. Review status: criteria provided, single submitter. Criteria: Invitae Variant Classification Sherloc (09022015). Collection method: clinical testing. Allele origin: germline.
Comment: This sequence change replaces alanine, which is neutral and non-polar, with valine, which is neutral and non-polar, at codon 120 of the GALNT3 protein (p.Ala120Val). This variant is present in population databases (rs767752966, gnomAD 0.008%). This variant has not been reported in the literature in individuals affected with GALNT3-related conditions. ClinVar contains an entry for this variant (Variation ID: 3708185). Invitae Evidence Modeling of protein sequence and biophysical properties (such as structural, functional, and spatial information, amino acid conservation, physicochemical variation, residue mobility, and thermodynamic stability) indicates that this missense variant is not expected to disrupt GALNT3 protein function with a negative predictive value of 80%. In summary, the available evidence is currently insufficient to determine the role of this variant in disease. Therefore, it has been classified as a Variant of Uncertain Significance.

NM_004482.4(GALNT3):c.359C>T (p.Ala120Val)

Gene: GALNT3 (polypeptide N-acetylgalactosaminyltransferase 3; minus strand). Cytogenetic location: 2q24.3.
Variant type: single nucleotide variant.
Coding change: c.359C>T on transcript NM_004482.4 (MANE Select); coding-DNA position 359, C replaced by T.
Protein change: p.Ala120Val; replaces alanine 120 with valine.
Molecular consequence: missense variant.
Genome position (GRCh38, 1-based): chr2:165,770,342, G>A on the plus strand (C>T on the coding strand, the complement: GALNT3 is on the minus strand). VCF-style: chr2-165770342-G-A. GRCh37 (hg19) VCF-style: chr2-166626852-G-A.
Other names: short protein forms A120V.
Identifiers: ClinVar variation 3708185 (VCV003708185.2).